The following is an entry in ClinVar:

NM_000089.4(COL1A2):c.3430A>T (p.Asn1144Tyr)

Gene: COL1A2 (collagen type I alpha 2 chain; plus strand). Cytogenetic location: 7q21.3.
Variant type: single nucleotide variant.
Coding change: c.3430A>T on transcript NM_000089.4 (MANE Select); coding-DNA position 3430, A replaced by T.
Protein change: p.Asn1144Tyr; replaces asparagine 1144 with tyrosine.
Molecular consequence: missense variant.
Genome position (GRCh38, 1-based): chr7:94,427,789, A>T. VCF-style: chr7-94427789-A-T. GRCh37 (hg19) VCF-style: chr7-94057101-A-T.
Other names: short protein forms N1144Y.
Identifiers: ClinVar variation 1487735 (VCV001487735.6), dbSNP rs374282276, ClinGen allele CA162941218.

ClinVar aggregate classification (germline): Uncertain significance (1 of 4 stars; one submission).

Conditions:
Ehlers-Danlos syndrome, classic type, 1 (EDSCL1). Also called: EHLERS-DANLOS SYNDROME, GRAVIS TYPE; EHLERS-DANLOS SYNDROME, SEVERE CLASSIC TYPE; Ehlers-Danlos syndrome, type 1; Ehlers-Danlos Syndrome, Classic Type, COL5A1-Related; EDS I. Identifiers: MedGen C0268335, MONDO:0019567, OMIM 130000.
Osteogenesis imperfecta type I (OI1). Also called: OI, TYPE I; OSTEOGENESIS IMPERFECTA TARDA; OSTEOGENESIS IMPERFECTA WITH BLUE SCLERAE; Osteogenesis imperfecta type 1; Lobstein's Disease; Lobstein disease. Identifiers: Orphanet 216796, Orphanet 666, MedGen C0023931, MONDO:0008146, OMIM 166200. Disease mechanism: loss of function.

Allele frequency attached by ClinVar (database versions not stated): ESP Exome Variant Server 0.00008.
gnomAD v4.1: 5 of 1,613,974 alleles (0.00031%); highest among the groups gnomAD compares: African/African-American, 0.0013%; no homozygotes.

Submission:

Labcorp Genetics (formerly Invitae), Labcorp
Classification: Uncertain significance for Osteogenesis imperfecta type I; Ehlers-Danlos syndrome, classic type, 1. Last evaluated: 2026-01-26. Review status: criteria provided, single submitter. Criteria: Invitae Variant Classification Sherloc (09022015). Collection method: clinical testing. Allele origin: germline.
Comment: This sequence change replaces asparagine, which is neutral and polar, with tyrosine, which is neutral and polar, at codon 1144 of the COL1A2 protein (p.Asn1144Tyr). This variant is present in population databases (rs374282276, gnomAD 0.0009%). This variant has not been reported in the literature in individuals affected with COL1A2-related conditions. ClinVar contains an entry for this variant (Variation ID: 1487735). Invitae Evidence Modeling of protein sequence and biophysical properties (such as structural, functional, and spatial information, amino acid conservation, physicochemical variation, residue mobility, and thermodynamic stability) has been performed for this missense variant. However, the output from this modeling did not meet the statistical confidence thresholds required to predict the impact of this variant on COL1A2 protein function. In summary, the available evidence is currently insufficient to determine the role of this variant in disease. Therefore, it has been classified as a Variant of Uncertain Significance.